The following is an entry in ClinVar:

NM_000112.4(SLC26A2):c.1600G>A (p.Gly534Arg)

Gene: SLC26A2 (solute carrier family 26 member 2; plus strand). Cytogenetic location: 5q32.
Variant type: single nucleotide variant.
Coding change: c.1600G>A on transcript NM_000112.4 (MANE Select); coding-DNA position 1600, G replaced by A.
Protein change: p.Gly534Arg; replaces glycine 534 with arginine.
Molecular consequence: missense variant.
Genome position (GRCh38, 1-based): chr5:149,981,193, G>A. VCF-style: chr5-149981193-G-A. GRCh37 (hg19) VCF-style: chr5-149360756-G-A.
Other names: short protein forms G534R.
Identifiers: ClinVar variation 2634820 (VCV002634820.1), dbSNP rs755227925, ClinGen allele CA3505463.

ClinVar aggregate classification (germline): Uncertain significance (1 of 4 stars; one submission).

Conditions:
SLC26A2-related disorder. Also called: SLC26A2-related disorders; SLC26A2-related condition. Identifiers: MedGen CN239404.

Allele frequency attached by ClinVar (database versions not stated): TOPMed below 0.00001; ExAC 0.00001; gnomAD 0.00001.
gnomAD v4.1: 3 of 1,613,946 alleles (0.00019%); highest among the groups gnomAD compares: East Asian, 0.0022%; no homozygotes.

Submission:

PreventionGenetics, part of Exact Sciences
Classification: Uncertain significance for SLC26A2-related condition. Last evaluated: 2023-08-21. Review status: criteria provided, single submitter. Criteria: ACMG Guidelines, 2015. Collection method: clinical testing. Allele origin: germline.
Comment: The SLC26A2 c.1600G>A variant is predicted to result in the amino acid substitution p.Gly534Arg. To our knowledge, this variant has not been reported in the literature. This variant is reported in 0.0054% of alleles in individuals of East Asian descent in gnomAD. Although we suspect that this variant may be pathogenic, at this time, the clinical significance of this variant is uncertain due to the absence of conclusive functional and genetic evidence.